The following is an entry in ClinVar:

NM_000179.3(MSH6):c.143C>A (p.Ala48Glu)

Gene: MSH6 (mutS homolog 6; plus strand). Cytogenetic location: 2p16.3.
Variant type: single nucleotide variant.
Coding change: c.143C>A on transcript NM_000179.3 (MANE Select); coding-DNA position 143, C replaced by A.
Protein change: p.Ala48Glu; replaces alanine 48 with glutamic acid.
Molecular consequence: missense variant. On other transcripts: 5 prime UTR variant (7), non-coding transcript variant (5), synonymous variant (1), intron variant (5).
Genome position (GRCh38, 1-based): chr2:47,783,376, C>A. VCF-style: chr2-47783376-C-A. GRCh37 (hg19) VCF-style: chr2-48010515-C-A.
Other names: c.143C>A, p.Ala48Glu (NM_001406809.1, NM_001406813.1, NM_001406817.1 and 9 more transcripts); c.-594C>A (NM_001406811.1, NM_001281493.2); c.-441C>A (NM_001406812.1); c.-852C>A (NM_001406814.1); c.-397C>A (NM_001406816.1); c.-186C>A (NM_001406799.1); c.88C>A, p.Arg30= (NM_001406804.1); c.-786C>A (NM_001406807.1); and 3 more; short protein forms A48E.
Identifiers: ClinVar variation 5024845 (VCV005024845.1).
Genomic context (GRCh38, chr2:47,783,376, plus strand): 5'-CACGCGAAGGCGGCCGTGCCGCCGCTGCCCCCGGGGCCTCTCCTTCCCCAGGCGGGGATG[C>A]GGCCTGGAGCGAGGCTGGGCCTGGGCCCAGGCCCTTGGCGCGCTCCGCGTCACCGCCCAA-3'
Protein context (NP_000170.1, residues 38-58): PGASPSPGGD[Ala48Glu]AWSEAGPGPR

ClinVar aggregate classification (germline): Uncertain significance (1 of 4 stars; one submission).

Conditions:
Hereditary cancer-predisposing syndrome. Also called: Neoplastic Syndromes, Hereditary; Tumor predisposition; Hereditary neoplastic syndrome; Hereditary Cancer Syndrome. Identifiers: Orphanet 140162, MedGen C0027672, MeSH D009386, MONDO:0015356.

gnomAD v4.1: 1 of 1,593,390 alleles (0.000063%); highest among the groups gnomAD compares: Non-Finnish European, 0.000085%; no homozygotes.

Submission:

Ambry Genetics
Classification: Uncertain significance for Hereditary cancer-predisposing syndrome. Last evaluated: 2026-08-27. Review status: criteria provided, single submitter. Criteria: Ambry Variant Classification Scheme 2023. Collection method: clinical testing. Allele origin: germline.
Comment: The p.A48E variant (also known as c.143C>A), located in coding exon 1 of the MSH6 gene, results from a C to A substitution at nucleotide position 143. The alanine at codon 48 is replaced by glutamic acid, an amino acid with dissimilar properties. This amino acid position is conserved. In addition, this alteration is predicted to be tolerated by in silico analysis. Based on the available evidence, the clinical significance of this variant remains unclear.